The following is an entry in ClinVar:

ClinVar aggregate classification (germline): Uncertain significance (1 of 4 stars; one submission).

Conditions:
Meckel syndrome, type 11 (MKS11). Identifiers: Orphanet 564, MedGen C3809352, MONDO:0014164, OMIM 615397.
Joubert syndrome 20 (JBTS20). Identifiers: Orphanet 475, MedGen C3554235, MONDO:0013994, OMIM 614970.

gnomAD v4.1: 1 of 1,577,430 alleles (0.000063%); highest among the groups gnomAD compares: Non-Finnish European, 0.000086%; no homozygotes.

Submission:

Labcorp Genetics (formerly Invitae), Labcorp
Classification: Uncertain significance for Joubert syndrome 20; Meckel syndrome, type 11. Last evaluated: 2022-04-08. Review status: criteria provided, single submitter. Criteria: Invitae Variant Classification Sherloc (09022015). Collection method: clinical testing. Allele origin: germline.
Comment: In summary, the available evidence is currently insufficient to determine the role of this variant in disease. Therefore, it has been classified as a Variant of Uncertain Significance. Algorithms developed to predict the effect of missense changes on protein structure and function are either unavailable or do not agree on the potential impact of this missense change (SIFT: "Deleterious"; PolyPhen-2: "Not Available"; Align-GVGD: "Class C15"). This variant has not been reported in the literature in individuals affected with TMEM231-related conditions. This variant is not present in population databases (gnomAD no frequency). This sequence change replaces arginine, which is basic and polar, with tryptophan, which is neutral and slightly polar, at codon 144 of the TMEM231 protein (p.Arg144Trp).

NM_001077418.3(TMEM231):c.271C>T (p.Arg91Trp)

Gene: TMEM231 (transmembrane protein 231; minus strand). Cytogenetic location: 16q23.1.
Variant type: single nucleotide variant.
Coding change: c.271C>T on transcript NM_001077418.3 (MANE Select); coding-DNA position 271, C replaced by T.
Protein change: p.Arg91Trp; replaces arginine 91 with tryptophan.
Molecular consequence: missense variant. On other transcripts: non-coding transcript variant (1).
Genome position (GRCh38, 1-based): chr16:75,555,842, G>A on the plus strand (C>T on the coding strand, the complement: TMEM231 is on the minus strand). VCF-style: chr16-75555842-G-A. GRCh37 (hg19) VCF-style: chr16-75589740-G-A.
Other names: c.430C>T, p.Arg144Trp (NM_001077416.2); short protein forms R91W, R144W.
Identifiers: ClinVar variation 2150900 (VCV002150900.4), dbSNP rs2507347168, ClinGen allele CA396808937.